The following is an entry in ClinVar:

NM_014875.3(KIF14):c.1639-5A>G

Gene: KIF14 (kinesin family member 14; minus strand). Cytogenetic location: 1q32.1.
Variant type: single nucleotide variant.
Coding change: c.1639-5A>G on transcript NM_014875.3 (MANE Select); 5 bases into the intron before coding-DNA position 1639, A replaced by G.
Molecular consequence: intron variant.
Genome position (GRCh38, 1-based): chr1:200,605,395, T>C on the plus strand (A>G on the coding strand, the complement: KIF14 is on the minus strand). VCF-style: chr1-200605395-T-C. GRCh37 (hg19) VCF-style: chr1-200574523-T-C.
Other names: c.166-5A>G (NM_001305792.1).
Identifiers: ClinVar variation 3045595 (VCV003045595.2), dbSNP rs368417849, ClinGen allele CA1317751.

ClinVar aggregate classification (germline): Likely benign (0 of 4 stars; one submission).

Conditions:
KIF14-related disorder. Also called: KIF14-related condition.

Allele frequency attached by ClinVar (database versions not stated): gnomAD exomes 0.00001; ExAC 0.00002; gnomAD 0.00009; ESP Exome Variant Server 0.00015.
gnomAD v4.1: 22 of 1,600,684 alleles (0.0014%); highest among the groups gnomAD compares: African/African-American, 0.024%; no homozygotes.

Submission:

PreventionGenetics, part of Exact Sciences
Classification: Likely benign for KIF14-related condition. Last evaluated: 2023-12-17. Review status: no assertion criteria provided. Collection method: clinical testing. Allele origin: germline.
Comment: This variant is classified as likely benign based on ACMG/AMP sequence variant interpretation guidelines (Richards et al. 2015 PMID: 25741868, with internal and published modifications).